The following is an entry in ClinVar:

ClinVar aggregate classification (germline): Uncertain significance (1 of 4 stars; one submission).

Conditions:
Epidermolysis bullosa simplex 5B, with muscular dystrophy (EBS5B). Also called: Epidermolysis bullosa simplex with muscular dystrophy; EPIDERMOLYSIS BULLOSA SIMPLEX AND LIMB-GIRDLE MUSCULAR DYSTROPHY. Identifiers: Orphanet 257, MedGen C2931072, MONDO:0009181, OMIM 226670.
Epidermolysis bullosa simplex, Ogna type (EBS5A). Also called: Pidermolysis bullosa simplex 5A, Ogna type; EPIDERMOLYSIS BULLOSA SIMPLEX 5A, OGNA TYPE. Identifiers: Orphanet 79401, MedGen C0432317, MONDO:0007555, OMIM 131950.
Autosomal recessive limb-girdle muscular dystrophy type 2Q (LGMDR17). Also called: MUSCULAR DYSTROPHY, LIMB-GIRDLE, AUTOSOMAL RECESSIVE 17. Identifiers: Orphanet 254361, MedGen C3150989, MONDO:0013390, OMIM 613723.
Epidermolysis bullosa simplex with nail dystrophy (EBS5D). Identifiers: MedGen C4225309, MONDO:0014661, OMIM 616487.
Epidermolysis bullosa simplex 5C, with pyloric atresia (EBS5C). Also called: Epidermolysis bullosa simplex with pyloric atresia; PLEC-Related Epidermolysis Bullosa with Pyloric Atresia; PLEC1-Related Epidermolysis Bullosa with Pyloric Atresia. Identifiers: Orphanet 158684, MedGen C2677349, MONDO:0012807, OMIM 612138.

Allele frequency attached by ClinVar (database versions not stated): gnomAD exomes below 0.00001 and 0.00001; gnomAD 0.00001; ExAC 0.00002; TOPMed 0.00002.
gnomAD v4.1: 5 of 1,611,132 alleles (0.00031%); highest among the groups gnomAD compares: East Asian, 0.0022%; no homozygotes.

Submission:

Labcorp Genetics (formerly Invitae), Labcorp
Classification: Uncertain significance for Autosomal recessive limb-girdle muscular dystrophy type 2Q; Epidermolysis bullosa simplex, Ogna type; Epidermolysis bullosa simplex with nail dystrophy; Epidermolysis bullosa simplex 5C, with pyloric atresia; Epidermolysis bullosa simplex 5B, with muscular dystrophy. Last evaluated: 2021-09-09. Review status: criteria provided, single submitter. Criteria: Invitae Variant Classification Sherloc (09022015). Collection method: clinical testing. Allele origin: germline.
Comment: In summary, the available evidence is currently insufficient to determine the role of this variant in disease. Therefore, it has been classified as a Variant of Uncertain Significance. Algorithms developed to predict the effect of missense changes on protein structure and function (SIFT, PolyPhen-2, Align-GVGD) all suggest that this variant is likely to be disruptive. This variant has not been reported in the literature in individuals affected with PLEC-related conditions. This variant is present in population databases (rs782726792, ExAC 0.01%). This sequence change replaces arginine with histidine at codon 4413 of the PLEC protein (p.Arg4413His). The arginine residue is highly conserved and there is a small physicochemical difference between arginine and histidine.

NM_201384.3(PLEC):c.13157G>A (p.Arg4386His)

Gene: PLEC (plectin; minus strand). Cytogenetic location: 8q24.3.
Variant type: single nucleotide variant.
Coding change: c.13157G>A on transcript NM_201384.3 (MANE Select); coding-DNA position 13157, G replaced by A.
Protein change: p.Arg4386His; replaces arginine 4386 with histidine.
Molecular consequence: missense variant.
Genome position (GRCh38, 1-based): chr8:143,916,664, C>T on the plus strand (G>A on the coding strand, the complement: PLEC is on the minus strand). VCF-style: chr8-143916664-C-T. GRCh37 (hg19) VCF-style: chr8-144990832-C-T.
Other names: c.13238G>A, p.Arg4413His (NM_000445.5); c.13115G>A, p.Arg4372His (NM_201378.4); c.13091G>A, p.Arg4364His (NM_201379.3); c.13568G>A, p.Arg4523His (NM_201380.4); c.13061G>A, p.Arg4354His (NM_201381.3); c.13157G>A, p.Arg4386His (NM_201382.4); c.13169G>A, p.Arg4390His (NM_201383.3); short protein forms R4386H, R4390H, R4354H, R4364H, R4372H, R4413H, R4523H.
Identifiers: ClinVar variation 1381638 (VCV001381638.6), dbSNP rs782726792, ClinGen allele CA4923896.
Genomic context (GRCh38, chr8:143,916,664, plus strand): 5'-ACGCGGCCCGGCGTGTCGGGCTCGATCAAGCCGCCGGTCAGGTACTGCACCTCCAGGAAG[C>T]GCTGGCCGGCCTCGTAGTAGAGCCAGCCCTTCTTCAGGGCCTGGGCGGCCGACATCTTGG-3'
Protein context (NP_958786.1, residues 4376-4396): KGWLYYEAGQ[Arg4386His]FLEVQYLTGG